The following is an entry in ClinVar:

ClinVar aggregate classification (germline): Uncertain significance. Review status: criteria provided, multiple submitters, no conflicts (2 of 4 stars). 2 submissions from 2 submitters: Uncertain significance (2). Last evaluated 2025-11-10.

Conditions:
Pancreatic adenocarcinoma. Identifiers: MedGen C0281361, MONDO:0006047, HP:0006725.

gnomAD v4.1: 5 of 1,501,224 alleles (0.00033%); highest among the groups gnomAD compares: Non-Finnish European, 0.00044%; no homozygotes.

Submissions (2):

Ambry Genetics
Classification: Uncertain significance. Last evaluated: 2025-11-10. Review status: criteria provided, single submitter. Criteria: Ambry Variant Classification Scheme 2023. Collection method: clinical testing. Allele origin: germline.
Comment: The p.A29T variant (also known as c.85G>A), located in coding exon 1 of the PALLD gene, results from a G to A substitution at nucleotide position 85. The alanine at codon 29 is replaced by threonine, an amino acid with similar properties. This amino acid position is conserved. In addition, the in silico prediction for this alteration is inconclusive. Based on the available evidence, the clinical significance of this variant remains unclear.

Labcorp Genetics (formerly Invitae), Labcorp
Classification: Uncertain significance for Pancreatic adenocarcinoma. Last evaluated: 2025-03-06. Review status: criteria provided, single submitter. Criteria: Invitae Variant Classification Sherloc (09022015). Collection method: clinical testing. Allele origin: germline.
Comment: This sequence change replaces alanine, which is neutral and non-polar, with threonine, which is neutral and polar, at codon 29 of the PALLD protein (p.Ala29Thr). This variant is not present in population databases (gnomAD no frequency). This variant has not been reported in the literature in individuals affected with PALLD-related conditions. An algorithm developed to predict the effect of missense changes on protein structure and function (PolyPhen-2) suggests that this variant is likely to be tolerated. In summary, the available evidence is currently insufficient to determine the role of this variant in disease. Therefore, it has been classified as a Variant of Uncertain Significance.

NM_001166108.2(PALLD):c.1965-12946G>A

Gene: PALLD (palladin, cytoskeletal associated protein; plus strand). Cytogenetic location: 4q32.3.
Variant type: single nucleotide variant.
Coding change: c.1965-12946G>A on transcript NM_001166108.2 (MANE Select); 12946 bases into the intron before coding-DNA position 1965, G replaced by A.
Molecular consequence: intron variant. On other transcripts: missense variant (1).
Genome position (GRCh38, 1-based): chr4:168,877,976, G>A. VCF-style: chr4-168877976-G-A. GRCh37 (hg19) VCF-style: chr4-169799127-G-A.
Other names: c.85G>A, p.Ala29Thr (NM_001166110.2); c.1965-12946G>A (NM_016081.4); c.819-12946G>A (NM_001166109.2); c.-157-12946G>A (NM_001367570.1, NM_001367568.1, NM_001367567.1 and 1 more transcripts); short protein forms A29T.
Identifiers: ClinVar variation 4564175 (VCV004564175.2).